The following is an entry in ClinVar:

ClinVar aggregate classification (germline): Pathogenic. Review status: criteria provided, multiple submitters, no conflicts (2 of 4 stars). 3 submissions from 3 submitters: Pathogenic (3). Last evaluated 2025-10-14.

Conditions:
Fanconi anemia complementation group A (FANCA). Also called: FANCA-Related Fanconi Anemia; Fanconi anemia, group A. Identifiers: Orphanet 84, MedGen C3469521, MONDO:0009215, OMIM 227650.
Fanconi anemia (FA). Also called: Fanconi's anemia. Identifiers: Orphanet 84, MedGen C0015625, MeSH D005199, MONDO:0019391.

Submissions (3):

Natera, Inc.
Classification: Pathogenic for Fanconi anemia. Last evaluated: 2025-10-14. Review status: criteria provided, single submitter. Criteria: Natera Variant Classification Schema (03/2026). Collection method: clinical testing. Allele origin: germline.
Comment: The c.1007-1G>A variant in FANCA is a canonical splice acceptor site variant predicted to affect pre-mRNA splicing, which may result in an abnormal transcript and altered protein product. This variant is expected to result in nonsense mediated decay, truncation, or a dysfunctional protein product. This variant is rare in the general population with a frequency below the threshold expected for the associated phenotype(s). This variant has been observed in one or more individuals affected with the associated recessive disease, as either homozygous or compound heterozygous with a second variant (PMID: 30031030). Given the available evidence, this variant is classified as Pathogenic.

Fulgent Genetics
Classification: Pathogenic for Fanconi anemia complementation group A. Last evaluated: 2024-03-05. Review status: criteria provided, single submitter. Criteria: ACMG Guidelines, 2015. Collection method: clinical testing. Allele origin: germline.

Labcorp Genetics (formerly Invitae), Labcorp
Classification: Pathogenic for Fanconi anemia. Last evaluated: 2022-12-08. Review status: criteria provided, single submitter. Criteria: Invitae Variant Classification Sherloc (09022015). Collection method: clinical testing. Allele origin: germline.
Comment: This sequence change affects an acceptor splice site in intron 11 of the FANCA gene. RNA analysis indicates that disruption of this splice site induces altered splicing and may result in an absent or disrupted protein product. For these reasons, this variant has been classified as Pathogenic. Studies have shown that disruption of this splice site results in skipping of exons 12-14 and introduces a premature termination codon (PMID: 30031030). The resulting mRNA is expected to undergo nonsense-mediated decay. Disruption of this splice site has been observed in individual(s) with clinical features of FANCA-related conditions (PMID: 28623394, 29098742, 30031030, 30792206). In at least one individual the data is consistent with being in trans (on the opposite chromosome) from a pathogenic variant. This variant is not present in population databases (gnomAD no frequency).

Literature cited by the submitters: PubMed 30031030 (cited by Natera, Inc. and Labcorp Genetics (formerly Invitae), Labcorp); PubMed 28623394 (cited by Labcorp Genetics (formerly Invitae), Labcorp); PubMed 29098742 (cited by Labcorp Genetics (formerly Invitae), Labcorp); PubMed 30792206 (cited by Labcorp Genetics (formerly Invitae), Labcorp).

NM_000135.4(FANCA):c.1007-1G>A

Gene: FANCA (FA complementation group A; minus strand). Cytogenetic location: 16q24.3.
Variant type: single nucleotide variant.
Coding change: c.1007-1G>A on transcript NM_000135.4 (MANE Select); the canonical splice acceptor site of the intron before coding-DNA position 1007, G replaced by A.
Molecular consequence: splice acceptor variant.
Genome position (GRCh38, 1-based): chr16:89,792,548, C>T on the plus strand (G>A on the coding strand, the complement: FANCA is on the minus strand). VCF-style: chr16-89792548-C-T. GRCh37 (hg19) VCF-style: chr16-89858956-C-T.
Other names: c.1007-1G>A (NM_001286167.3, NM_000135.3).
Identifiers: ClinVar variation 3016326 (VCV003016326.5), dbSNP rs2544276097, ClinGen allele CA397467112.